The following is an entry in ClinVar:

ClinVar aggregate classification (germline): Conflicting classifications of pathogenicity. Review status: criteria provided, conflicting classifications (1 of 4 stars). 6 submissions from 6 submitters: Uncertain significance (2); Likely benign (4). Last evaluated 2026-06-04.

Conditions:
3M syndrome 2. Also called: 3-M Syndrome, OBSL1-Related; THREE M SYNDROME 2. Identifiers: Orphanet 2616, MedGen C2752041, MONDO:0013039, OMIM 612921.

Allele frequency attached by ClinVar (database versions not stated): 1000 Genomes Project 30x 0.00031; ExAC 0.00085; gnomAD exomes 0.00092 and 0.00115; ESP Exome Variant Server 0.00094; TOPMed 0.00095; gnomAD 0.00097 and 0.00098.
gnomAD v4.1: 1,799 of 1,598,688 alleles (0.11%); highest among the groups gnomAD compares: Admixed American, 0.13%; 5 homozygotes.

Submissions (6):

Women's Health and Genetics/Laboratory Corporation of America, LabCorp
Classification: Likely benign. Last evaluated: 2026-06-04. Review status: criteria provided, single submitter. Criteria: LabCorp Variant Classification Summary - May 2015. Collection method: clinical testing. Allele origin: germline.
Comment: Variant summary: OBSL1 c.4069C>T (p.Pro1357Ser) results in a non-conservative amino acid change located in the immunoglobulin-like domain (IPR007110) of the encoded protein sequence. Algorithms developed to predict the effect of missense changes on protein structure and function are either unavailable or do not agree on the potential impact of this missense change. Consensus agreement among computation tools predict no significant impact on normal splicing. However, these predictions have yet to be confirmed by functional studies. The variant allele was found at a frequency of 0.0011 in 1598688 control chromosomes, predominantly at a frequency of 0.0013 within the Latino subpopulation in the gnomAD database. The observed variant frequency within Latino control individuals in the gnomAD database exceeds the estimated maximal expected allele frequency for disease-causing variants in OBSL1. To our knowledge, no occurrence of c.4069C>T in individuals affected with OBSL1-related conditions and no experimental evidence demonstrating its impact on protein function have been reported. ClinVar contains an entry for this variant (Variation ID: 418392). Based on the evidence outlined above, the variant was classified as likely benign.

Labcorp Genetics (formerly Invitae), Labcorp
Classification: Likely benign. Last evaluated: 2026-02-02. Review status: criteria provided, single submitter. Criteria: Invitae Variant Classification Sherloc (09022015). Collection method: clinical testing. Allele origin: germline.

Blueprint Genetics
Classification: Likely benign. Last evaluated: 2024-11-22. Review status: criteria provided, single submitter. Criteria: ACMG Guidelines, 2015. Collection method: clinical testing. Allele origin: germline.

CeGaT Center for Human Genetics Tuebingen
Classification: Likely benign. Last evaluated: 2024-02-01. Review status: criteria provided, single submitter. Criteria: CeGaT Center For Human Genetics Tuebingen Variant Classification Criteria Version 2. Collection method: clinical testing. Allele origin: germline. Affected: yes. Observed: 1 variant allele.
Comment: OBSL1: BP4, BS2

GeneDx
Classification: Uncertain significance. Last evaluated: 2018-06-08. Review status: criteria provided, single submitter. Criteria: GeneDx Variant Classification (06012015). Collection method: clinical testing. Allele origin: germline. Affected: yes.
Comment: The P1357S variant in the OBSL1 gene has not been reported previously as a pathogenic variant, nor as a benign variant, to our knowledge. This variant is not observed at a significant frequency in large population cohorts (Lek et al., 2016; 1000 Genomes Consortium et al., 2015; Exome Variant Server). The .P1357S variant is a non-conservative amino acid substitution, which is likely to impact secondary protein structure as these residues differ in polarity, charge, size and/or other properties. This substitution occurs at a position that is not conserved. In silico analysis is inconsistent in its predictions as to whether or not the variant is damaging to the protein structure/function. We interpret P1357S as a variant of uncertain significance.

Illumina Laboratory Services, Illumina
Classification: Uncertain significance for 3M syndrome 2. Last evaluated: 2018-01-13. Review status: criteria provided, single submitter. Criteria: ICSL Variant Classification Criteria 13 December 2019. Collection method: clinical testing. Allele origin: germline.

NM_015311.3(OBSL1):c.4069C>T (p.Pro1357Ser)

Gene: OBSL1 (obscurin like cytoskeletal adaptor 1; minus strand). Cytogenetic location: 2q35.
Variant type: single nucleotide variant.
Coding change: c.4069C>T on transcript NM_015311.3 (MANE Select); coding-DNA position 4069, C replaced by T.
Protein change: p.Pro1357Ser; replaces proline 1357 with serine.
Molecular consequence: missense variant.
Genome position (GRCh38, 1-based): chr2:219,556,721, G>A on the plus strand (C>T on the coding strand, the complement: OBSL1 is on the minus strand). VCF-style: chr2-219556721-G-A. GRCh37 (hg19) VCF-style: chr2-220421443-G-A.
Other names: c.4069C>T, p.Pro1357Ser (NM_001173431.2); short protein forms P1357S.
Identifiers: ClinVar variation 418392 (VCV000418392.38), dbSNP rs200543358, ClinGen allele CA2130669.